The following is an entry in ClinVar:

NC_000016.9:g.(?_57931281)_(57946918_?)dup

Gene: CNGB1 (cyclic nucleotide gated channel subunit beta 1; minus strand). Cytogenetic location: 16q21.
Variant type: Duplication.
Identifiers: ClinVar variation 2424124 (VCV002424124.4).

ClinVar aggregate classification (germline): Likely pathogenic (1 of 4 stars; one submission).

Submission:

Labcorp Genetics (formerly Invitae), Labcorp
Classification: Likely pathogenic. Last evaluated: 2022-03-04. Review status: criteria provided, single submitter. Criteria: Invitae Variant Classification Sherloc (09022015). Collection method: clinical testing. Allele origin: germline.
Comment: This variant results in a copy number gain of the genomic region encompassing exon(s) 24-31 of the CNGB1 gene. While the exact position of this variant cannot be determined from the data, sub-genic copy number gains are generally in tandem (PMID: 25640679). This variant is predicted to be out-of-frame, and may result in an absent or disrupted protein product. Loss-of-function variants in CNGB1 are known to be pathogenic (PMID: 15557452, 24043777). In summary, the currently available evidence indicates that the variant is pathogenic, but additional data are needed to prove that conclusively. Therefore, this variant has been classified as Likely Pathogenic. This variant has not been reported in the literature in individuals affected with CNGB1-related conditions.

Literature cited by the submitters: PubMed 25640679; PubMed 15557452; PubMed 24043777.